The following is an entry in ClinVar:

NM_014339.7(IL17RA):c.943+122G>C

Gene: IL17RA (interleukin 17 receptor A; plus strand). Cytogenetic location: 22q11.1.
Variant type: single nucleotide variant.
Coding change: c.943+122G>C on transcript NM_014339.7 (MANE Select); 122 bases into the intron after coding-DNA position 943, G replaced by C.
Molecular consequence: intron variant.
Genome position (GRCh38, 1-based): chr22:17,105,724, G>C. VCF-style: chr22-17105724-G-C. GRCh37 (hg19) VCF-style: chr22-17586614-G-C.
Other names: c.943+122G>C (NM_001289905.2).
Identifiers: ClinVar variation 2688017 (VCV002688017.2), dbSNP rs35078252, ClinGen allele CA14919231.
Genomic context (GRCh38, chr22:17,105,724, plus strand): 5'-TTGAGAAGTCCCTGCCTCAGCCAGGCAGACAAGGCTGAACCGAGGCCAGCCCGGGGTGGG[G>C]GGTGAGACCATGGTTTGTCGTGGTGGGGCCAGAGAGGACAGAGCCTGGGGCTGGGGAGCA-3'

ClinVar aggregate classification (germline): Benign (1 of 4 stars; one submission).

Allele frequency attached by ClinVar (database versions not stated): 1000 Genomes Project 0.00112; TOPMed 0.49563.
gnomAD v4.1: 713,217 of 1,384,512 alleles (52%); highest among the groups gnomAD compares: East Asian, 78%; 187,986 homozygotes.

Submission:

Unidad de Genómica Garrahan, Hospital de Pediatría Garrahan
Classification: Benign. Last evaluated: 2024-01-24. Review status: criteria provided, single submitter. Criteria: ACMG Guidelines, 2015. Collection method: clinical testing. Allele origin: germline. Affected: no. Observed: 67 variant alleles.
Comment: This variant is classified as Benign based on local population frequency. This variant was detected in 71% of patients studied by a panel of primary immunodeficiencies. Number of patients: 67. Only high quality variants are reported.